The following is an entry in ClinVar:

ClinVar aggregate classification (germline): Uncertain significance (1 of 4 stars; one submission).

Conditions:
Developmental and epileptic encephalopathy, 1 (DEE1). Also called: X-linked infantile spasms; West's syndrome; Tonic spasms with clustering, arrest of psychomotor development and hypsarrhythmia on EEG; X-Linked Infantile Spasm Syndrome; OHTAHARA SYNDROME, X-LINKED; Epileptic encephalopathy, early infantile, 1. Identifiers: MedGen C3463992, MONDO:0010632, OMIM 308350. Disease mechanism: loss of function.
Autosomal recessive spinocerebellar ataxia 12. Also called: SPINOCEREBELLAR ATAXIA WITH MENTAL RETARDATION AND EPILEPSY. Identifiers: Orphanet 284282, MedGen C3280452, MONDO:0013687, OMIM 614322.

Allele frequency attached by ClinVar (database versions not stated): gnomAD exomes 0.00001; TOPMed 0.00001.
gnomAD v4.1: 19 of 1,614,078 alleles (0.0012%); highest among the groups gnomAD compares: Middle Eastern, 0.049%; no homozygotes.

Submission:

Labcorp Genetics (formerly Invitae), Labcorp
Classification: Uncertain significance for Developmental and epileptic encephalopathy, 1; Autosomal recessive spinocerebellar ataxia 12. Last evaluated: 2022-07-26. Review status: criteria provided, single submitter. Criteria: Invitae Variant Classification Sherloc (09022015). Collection method: clinical testing. Allele origin: germline.
Comment: This sequence change replaces lysine, which is basic and polar, with glutamic acid, which is acidic and polar, at codon 198 of the WWOX protein (p.Lys198Glu). This variant is not present in population databases (gnomAD no frequency). This variant has not been reported in the literature in individuals affected with WWOX-related conditions. ClinVar contains an entry for this variant (Variation ID: 1003561). Algorithms developed to predict the effect of missense changes on protein structure and function are either unavailable or do not agree on the potential impact of this missense change (SIFT: "Not Available"; PolyPhen-2: "Benign"; Align-GVGD: "Not Available"). In summary, the available evidence is currently insufficient to determine the role of this variant in disease. Therefore, it has been classified as a Variant of Uncertain Significance.

NM_016373.4(WWOX):c.592A>G (p.Lys198Glu)

Gene: WWOX (WW domain containing oxidoreductase; plus strand). Cytogenetic location: 16q23.1.
Variant type: single nucleotide variant.
Coding change: c.592A>G on transcript NM_016373.4 (MANE Select); coding-DNA position 592, A replaced by G.
Protein change: p.Lys198Glu; replaces lysine 198 with glutamic acid.
Molecular consequence: missense variant.
Genome position (GRCh38, 1-based): chr16:78,386,935, A>G. VCF-style: chr16-78386935-A-G. GRCh37 (hg19) VCF-style: chr16-78420832-A-G.
Other names: c.253A>G, p.Lys85Glu (NM_001291997.2); short protein forms K198E, K85E.
Identifiers: ClinVar variation 1003561 (VCV001003561.6), dbSNP rs1199254958, ClinGen allele CA396843980.